The following is an entry in ClinVar:

ClinVar aggregate classification (germline): Uncertain significance. Review status: criteria provided, multiple submitters, no conflicts (2 of 4 stars). 3 submissions from 3 submitters: Uncertain significance (3). Last evaluated 2025-06-07.

Conditions:
Perry syndrome. Also called: PARKINSONISM WITH ALVEOLAR HYPOVENTILATION AND MENTAL DEPRESSION. Identifiers: Orphanet 178509, MedGen C1868594, MONDO:0008201, OMIM 168605.
Neuronopathy, distal hereditary motor, type 7B. Also called: Distal Hereditary Motor Neuronopathy Type 7B (dHMN7B); NEURONOPATHY, DISTAL HEREDITARY MOTOR, AUTOSOMAL DOMINANT 14; NEURONOPATHY, DISTAL HEREDITARY MOTOR, HARDING TYPE VIIB; NEUROPATHY, DISTAL HEREDITARY MOTOR, HARDING TYPE VIIB; NEUROPATHY, DISTAL HEREDITARY MOTOR, WITH VOCAL CORD PARALYSIS, HARDING TYPE VIIB; HMN VIIB. Identifiers: Orphanet 139589, MedGen C1843315, MONDO:0011879, OMIM 607641.
Amyotrophic lateral sclerosis type 1 (ALS1). Also called: AMYOTROPHIC LATERAL SCLEROSIS 1, FAMILIAL. Identifiers: Orphanet 803, MedGen C1862939, MONDO:0007103, OMIM 105400.
Inborn genetic diseases. Identifiers: MedGen C0950123, MeSH D030342.

Allele frequency attached by ClinVar (database versions not stated): gnomAD exomes below 0.00001; ExAC 0.00001; gnomAD 0.00001; 1000 Genomes Project 30x 0.00016; 1000 Genomes Project 0.00020.
gnomAD v4.1: 3 of 1,614,256 alleles (0.00019%); highest among the groups gnomAD compares: South Asian, 0.0011%; no homozygotes.

Submissions (3):

Labcorp Genetics (formerly Invitae), Labcorp
Classification: Uncertain significance for Amyotrophic lateral sclerosis type 1; Neuronopathy, distal hereditary motor, type 7B; Perry syndrome. Last evaluated: 2025-06-07. Review status: criteria provided, single submitter. Criteria: Invitae Variant Classification Sherloc (09022015). Collection method: clinical testing. Allele origin: germline.
Comment: This sequence change replaces isoleucine, which is neutral and non-polar, with valine, which is neutral and non-polar, at codon 801 of the DCTN1 protein (p.Ile801Val). This variant is present in population databases (rs573330919, gnomAD 0.003%). This variant has not been reported in the literature in individuals affected with DCTN1-related conditions. ClinVar contains an entry for this variant (Variation ID: 1015321). Invitae Evidence Modeling of protein sequence and biophysical properties (such as structural, functional, and spatial information, amino acid conservation, physicochemical variation, residue mobility, and thermodynamic stability) indicates that this missense variant is not expected to disrupt DCTN1 protein function with a negative predictive value of 95%. In summary, the available evidence is currently insufficient to determine the role of this variant in disease. Therefore, it has been classified as a Variant of Uncertain Significance.

Women's Health and Genetics/Laboratory Corporation of America, LabCorp
Classification: Uncertain significance. Last evaluated: 2024-09-17. Review status: criteria provided, single submitter. Criteria: LabCorp Variant Classification Summary - May 2015. Collection method: clinical testing. Allele origin: germline.
Comment: Variant summary: DCTN1 c.2401A>G (p.Ile801Val) results in a conservative amino acid change located in the Dynein associated protein (IPR022157) of the encoded protein sequence. Three of five in-silico tools predict a benign effect of the variant on protein function. The variant allele was found at a frequency of 4e-06 in 251490 control chromosomes. The available data on variant occurrences in the general population are insufficient to allow any conclusion about variant significance. To our knowledge, no occurrence of c.2401A>G in individuals affected with DCTN1-Related Disorders and no experimental evidence demonstrating its impact on protein function have been reported. ClinVar contains an entry for this variant (Variation ID: 1015321). Based on the evidence outlined above, the variant was classified as uncertain significance.

Ambry Genetics
Classification: Uncertain significance for Inborn genetic diseases. Last evaluated: 2022-03-24. Review status: criteria provided, single submitter. Criteria: Ambry Variant Classification Scheme 2023. Collection method: clinical testing. Allele origin: germline.
Comment: The p.I801V variant (also known as c.2401A>G), located in coding exon 21 of the DCTN1 gene, results from an A to G substitution at nucleotide position 2401. The isoleucine at codon 801 is replaced by valine, an amino acid with highly similar properties. This amino acid position is highly conserved in available vertebrate species. In addition, the in silico prediction for this alteration is inconclusive. Since supporting evidence is limited at this time, the clinical significance of this alteration remains unclear.

NM_004082.5(DCTN1):c.2401A>G (p.Ile801Val)

Gene: DCTN1 (dynactin subunit 1; minus strand). Cytogenetic location: 2p13.1.
Variant type: single nucleotide variant.
Coding change: c.2401A>G on transcript NM_004082.5 (MANE Select); coding-DNA position 2401, A replaced by G.
Protein change: p.Ile801Val; replaces isoleucine 801 with valine.
Molecular consequence: missense variant. On other transcripts: non-coding transcript variant (1).
Genome position (GRCh38, 1-based): chr2:74,366,848, T>C on the plus strand (A>G on the coding strand, the complement: DCTN1 is on the minus strand). VCF-style: chr2-74366848-T-C. GRCh37 (hg19) VCF-style: chr2-74593975-T-C.
Other names: c.2341A>G, p.Ile781Val (NM_001135040.3); c.1999A>G, p.Ile667Val (NM_001135041.3, NM_023019.4); c.2290A>G, p.Ile764Val (NM_001190836.2); c.2380A>G, p.Ile794Val (NM_001190837.2); c.2350A>G, p.Ile784Val (NM_001378991.1); c.2332A>G, p.Ile778Val (NM_001378992.1); short protein forms I667V, I764V, I778V, I781V, I784V, I794V, I801V.
Identifiers: ClinVar variation 1015321 (VCV001015321.12), dbSNP rs573330919, ClinGen allele CA1721853.